The following is an entry in ClinVar:

NM_173477.5(USH1G):c.1225C>G (p.Arg409Gly)

Gene: USH1G (USH1 protein network component sans; minus strand). Cytogenetic location: 17q25.1.
Variant type: single nucleotide variant.
Coding change: c.1225C>G on transcript NM_173477.5 (MANE Select); coding-DNA position 1225, C replaced by G.
Protein change: p.Arg409Gly; replaces arginine 409 with glycine.
Molecular consequence: missense variant.
Genome position (GRCh38, 1-based): chr17:74,919,611, G>C on the plus strand (C>G on the coding strand, the complement: USH1G is on the minus strand). VCF-style: chr17-74919611-G-C. GRCh37 (hg19) VCF-style: chr17-72915706-G-C.
Other names: c.916C>G, p.Arg306Gly (NM_001282489.3); short protein forms R306G, R409G.
Identifiers: ClinVar variation 1038046 (VCV001038046.8), dbSNP rs117489945, ClinGen allele CA8753909.

ClinVar aggregate classification (germline): Uncertain significance. Review status: criteria provided, multiple submitters, no conflicts (2 of 4 stars). 2 submissions from 2 submitters: Uncertain significance (2). Last evaluated 2023-07-10.

Allele frequency attached by ClinVar (database versions not stated): gnomAD 0.00001 and 0.00003; TOPMed 0.00001; 1000 Genomes Project 30x 0.00031; 1000 Genomes Project 0.00040.

Submissions (2):

Labcorp Genetics (formerly Invitae), Labcorp
Classification: Uncertain significance. Last evaluated: 2023-07-10. Review status: criteria provided, single submitter. Criteria: Invitae Variant Classification Sherloc (09022015). Collection method: clinical testing. Allele origin: germline.
Comment: In summary, the available evidence is currently insufficient to determine the role of this variant in disease. Therefore, it has been classified as a Variant of Uncertain Significance. Advanced modeling of protein sequence and biophysical properties (such as structural, functional, and spatial information, amino acid conservation, physicochemical variation, residue mobility, and thermodynamic stability) performed at Invitae indicates that this missense variant is not expected to disrupt USH1G protein function. ClinVar contains an entry for this variant (Variation ID: 1038046). This variant has not been reported in the literature in individuals affected with USH1G-related conditions. This variant is present in population databases (rs117489945, gnomAD 0.03%). This sequence change replaces arginine, which is basic and polar, with glycine, which is neutral and non-polar, at codon 409 of the USH1G protein (p.Arg409Gly).

Blueprint Genetics
Classification: Uncertain significance. Last evaluated: 2019-11-20. Review status: criteria provided, single submitter. Criteria: ACMG Guidelines, 2015. Collection method: clinical testing. Allele origin: germline.